The following is an entry in ClinVar:

ClinVar aggregate classification (germline): Likely benign (1 of 4 stars; one submission).

Conditions:
Pheochromocytoma/paraganglioma syndrome 5. Also called: Paragangliomas 5; SDHA-Related Hereditary Paraganglioma-Pheochromocytoma Syndrome. Identifiers: Orphanet 29072, MedGen C3279992, MONDO:0013602, OMIM 614165.

Submission:

Myriad Genetics, Inc.
Classification: Likely benign for Pheochromocytoma/paraganglioma syndrome 5. Last evaluated: 2025-03-11. Review status: criteria provided, single submitter. Criteria: Myriad Autosomal Dominant, Autosomal Recessive and X-Linked Classification Criteria (2023). Collection method: clinical testing. Allele origin: unknown.
Comment: This variant is considered likely benign. This variant is intronic and is not expected to impact mRNA splicing.

NM_004168.4(SDHA):c.1795-16G>A

Gene: SDHA (succinate dehydrogenase complex flavoprotein subunit A; plus strand). Cytogenetic location: 5p15.33.
Variant type: single nucleotide variant.
Coding change: c.1795-16G>A on transcript NM_004168.4 (MANE Select); 16 bases into the intron before coding-DNA position 1795, G replaced by A.
Molecular consequence: intron variant.
Genome position (GRCh38, 1-based): chr5:254,377, G>A. VCF-style: chr5-254377-G-A. GRCh37 (hg19) VCF-style: chr5-254492-G-A.
Other names: c.1552-16G>A (NM_001330758.2); c.1651-16G>A (NM_001294332.2).
Identifiers: ClinVar variation 3904378 (VCV003904378.1).